The following is an entry in ClinVar:

ClinVar aggregate classification (germline): Uncertain significance (1 of 4 stars; one submission).

Submission:

Labcorp Genetics (formerly Invitae), Labcorp
Classification: Uncertain significance. Last evaluated: 2025-02-04. Review status: criteria provided, single submitter. Criteria: Invitae Variant Classification Sherloc (09022015). Collection method: clinical testing. Allele origin: germline.
Comment: This sequence change creates a premature translational stop signal (p.Phe65Glnfs*7) in the PMP2 gene. It is expected to result in an absent or disrupted protein product. However, the current clinical and genetic evidence is not sufficient to establish whether loss-of-function variants in PMP2 cause disease. This variant is not present in population databases (gnomAD no frequency). This variant has not been reported in the literature in individuals affected with PMP2-related conditions. Algorithms developed to predict the effect of sequence changes on RNA splicing suggest that this variant may disrupt the consensus splice site. In summary, the available evidence is currently insufficient to determine the role of this variant in disease. Therefore, it has been classified as a Variant of Uncertain Significance.

NM_002677.5(PMP2):c.193_194del (p.Phe65fs)

Gene: PMP2 (peripheral myelin protein 2; minus strand). Cytogenetic location: 8q21.13.
Variant type: Deletion.
Coding change: c.193_194del on transcript NM_002677.5 (MANE Select); coding-DNA positions 193 to 194, 2 bases deleted (TT; older notation c.193_194delTT).
Protein change: p.Phe65fs; shifts the reading frame from phenylalanine 65.
Molecular consequence: frameshift variant. On other transcripts: intron variant (1).
Genome position (GRCh38, 1-based): chr8:81,444,869-81,444,870, AA deleted on the plus strand (TT on the coding strand, the reverse complement: PMP2 is on the minus strand). VCF-style (leftmost placement, unchanged base first): chr8-81444868-GAA-G. GRCh37 (hg19) VCF-style: chr8-82357103-GAA-G.
Other names: c.74-269_74-268del (NM_001348381.2); short protein forms F65fs.
Identifiers: ClinVar variation 4712315 (VCV004712315.1).